The following is an entry in ClinVar:

ClinVar aggregate classification (germline): Uncertain significance (1 of 4 stars; one submission).

Submission:

Labcorp Genetics (formerly Invitae), Labcorp
Classification: Uncertain significance. Last evaluated: 2023-05-24. Review status: criteria provided, single submitter. Criteria: Invitae Variant Classification Sherloc (09022015). Collection method: clinical testing. Allele origin: germline.
Comment: In summary, the available evidence is currently insufficient to determine the role of this variant in disease. Therefore, it has been classified as a Variant of Uncertain Significance. An algorithm developed to predict the effect of missense changes on protein structure and function (PolyPhen-2) suggests that this variant is likely to be tolerated. This variant has not been reported in the literature in individuals affected with NTHL1-related conditions. This variant is not present in population databases (gnomAD no frequency). This sequence change replaces histidine, which is basic and polar, with glutamine, which is neutral and polar, at codon 52 of the NTHL1 protein (p.His52Gln).

NM_002528.7(NTHL1):c.132C>A (p.His44Gln)

Gene: NTHL1 (nth like DNA glycosylase 1; minus strand). Cytogenetic location: 16p13.3.
Variant type: single nucleotide variant.
Coding change: c.132C>A on transcript NM_002528.7 (MANE Select); coding-DNA position 132, C replaced by A.
Protein change: p.His44Gln; replaces histidine 44 with glutamine.
Molecular consequence: missense variant. On other transcripts: 5 prime UTR variant (1).
Genome position (GRCh38, 1-based): chr16:2,046,350, G>T on the plus strand (C>A on the coding strand, the complement: NTHL1 is on the minus strand). VCF-style: chr16-2046350-G-T. GRCh37 (hg19) VCF-style: chr16-2096351-G-T.
Other names: c.132C>A, p.His44Gln (NM_001318193.2); c.-47C>A (NM_001318194.2); short protein forms H44Q.
Identifiers: ClinVar variation 2880126 (VCV002880126.3), dbSNP rs2150947647, ClinGen allele CA394298044.
Genomic context (GRCh38, chr16:2,046,350, plus strand): 5'-GTCCGAGCCCTCATAGGCCACACGCAGTCTCTGTGCTTTCCGCGGACGCTTCACGGGGCT[G>T]TGGCTTTTCCTCGCTTCTGCAAAAAGCACCACGCAGTCCCTCTGGTGGGGCCACAGGTGA-3'
Protein context (NP_002519.2, residues 34-54): REAAAEARKS[His44Gln]SPVKRPRKAQ